The following is an entry in ClinVar:

ClinVar aggregate classification (germline): Uncertain significance (1 of 4 stars; one submission).

Allele frequency attached by ClinVar (database versions not stated): gnomAD exomes 0.00001; ExAC 0.00002; TOPMed 0.00002; gnomAD 0.00003; ESP Exome Variant Server 0.00008.

Submission:

Greenwood Genetic Center Diagnostic Laboratories, Greenwood Genetic Center
Classification: Uncertain significance. Last evaluated: 2023-03-20. Review status: criteria provided, single submitter. Criteria: ACMG Guidelines, 2015. Collection method: clinical testing. Allele origin: germline. Affected: yes.
Comment: PM2

NM_014738.6(TMEM94):c.377G>A (p.Arg126Gln)

Gene: TMEM94 (transmembrane protein 94; plus strand). Cytogenetic location: 17q25.1.
Variant type: single nucleotide variant.
Coding change: c.377G>A on transcript NM_014738.6 (MANE Select); coding-DNA position 377, G replaced by A.
Protein change: p.Arg126Gln; replaces arginine 126 with glutamine.
Molecular consequence: missense variant.
Genome position (GRCh38, 1-based): chr17:75,486,394, G>A. VCF-style: chr17-75486394-G-A. GRCh37 (hg19) VCF-style: chr17-73482475-G-A.
Other names: c.407G>A, p.Arg136Gln (NM_001321148.2, NM_001351203.2); c.377G>A, p.Arg126Gln (NM_001321149.2, NM_001351202.2); short protein forms R126Q, R136Q.
Identifiers: ClinVar variation 2505214 (VCV002505214.1), dbSNP rs370514728, ClinGen allele CA8761443.